The following is an entry in ClinVar:

NM_024675.4(PALB2):c.2276A>G (p.Gln759Arg)

Gene: PALB2 (partner and localizer of BRCA2; minus strand). Cytogenetic location: 16p12.2.
Variant type: single nucleotide variant.
Coding change: c.2276A>G on transcript NM_024675.4 (MANE Select); coding-DNA position 2276, A replaced by G.
Protein change: p.Gln759Arg; replaces glutamine 759 with arginine.
Molecular consequence: missense variant.
Genome position (GRCh38, 1-based): chr16:23,629,878, T>C on the plus strand (A>G on the coding strand, the complement: PALB2 is on the minus strand). VCF-style: chr16-23629878-T-C. GRCh37 (hg19) VCF-style: chr16-23641199-T-C.
Other names: short protein forms Q759R.
Identifiers: ClinVar variation 484174 (VCV000484174.8), dbSNP rs1555460421, ClinGen allele CA395125375.
Genomic context (GRCh38, chr16:23,629,878, plus strand): 5'-GAACTGTCGAATTGTTTAGTATCACTGGCAAGACAGACTGAGTCTTTCAAATGAGCAAGT[T>C]GGGGTGTGCAGCAAGTTCGTCCAGCAACTTCTGTAGATGCTTTTTCATAGGAGCCTTGAG-3'
Protein context (NP_078951.2, residues 749-769): EVAGRTCCTP[Gln759Arg]LAHLKDSVCL

ClinVar aggregate classification (germline): Uncertain significance. Review status: criteria provided, multiple submitters, no conflicts (2 of 4 stars). 2 submissions from 2 submitters: Uncertain significance (2). Last evaluated 2024-08-08.

Conditions:
Familial cancer of breast. Also called: BREAST CANCER, FAMILIAL; Hereditary breast cancer; hereditary breast carcinoma. Identifiers: Orphanet 227535, MedGen C0346153, MONDO:0016419, OMIM 114480. Disease mechanism: loss of function.
Hereditary cancer-predisposing syndrome. Also called: Neoplastic Syndromes, Hereditary; Tumor predisposition; Hereditary Cancer Syndrome; Hereditary neoplastic syndrome. Identifiers: Orphanet 140162, MedGen C0027672, MeSH D009386, MONDO:0015356.

Allele frequency attached by ClinVar (database versions not stated): gnomAD exomes below 0.00001; TOPMed below 0.00001.
gnomAD v4.1: 1 of 1,614,150 alleles (0.000062%); highest among the groups gnomAD compares: Non-Finnish European, 0.000085%; no homozygotes.

Submissions (2):

Labcorp Genetics (formerly Invitae), Labcorp
Classification: Uncertain significance for Familial cancer of breast. Last evaluated: 2024-08-08. Review status: criteria provided, single submitter. Criteria: Invitae Variant Classification Sherloc (09022015). Collection method: clinical testing. Allele origin: germline.
Comment: This sequence change replaces glutamine, which is neutral and polar, with arginine, which is basic and polar, at codon 759 of the PALB2 protein (p.Gln759Arg). This variant is not present in population databases (gnomAD no frequency). This variant has not been reported in the literature in individuals affected with PALB2-related conditions. ClinVar contains an entry for this variant (Variation ID: 484174). Advanced modeling of protein sequence and biophysical properties (such as structural, functional, and spatial information, amino acid conservation, physicochemical variation, residue mobility, and thermodynamic stability) performed at Invitae indicates that this missense variant is not expected to disrupt PALB2 protein function with a negative predictive value of 80%. In summary, the available evidence is currently insufficient to determine the role of this variant in disease. Therefore, it has been classified as a Variant of Uncertain Significance.

Ambry Genetics
Classification: Uncertain significance for Hereditary cancer-predisposing syndrome. Last evaluated: 2024-07-01. Review status: criteria provided, single submitter. Criteria: Ambry Variant Classification Scheme 2023. Collection method: clinical testing. Allele origin: germline.
Comment: The p.Q759R variant (also known as c.2276A>G), located in coding exon 5 of the PALB2 gene, results from an A to G substitution at nucleotide position 2276. The glutamine at codon 759 is replaced by arginine, an amino acid with highly similar properties. This variant was not reported in population based cohorts in the following databases: Database of Single Nucleotide Polymorphisms (dbSNP), NHLBI Exome Sequencing Project (ESP), and 1000 Genomes Project. In the ESP, this variant was not observed in 6497 samples (12994 alleles) with coverage at this position. To date, this alteration has been detected with an allele frequency of approximately 0.001% (greater than 130000 alleles tested) in our clinical cohort. This amino acid position is not well conserved in available vertebrate species. In addition, this alteration is predicted to be tolerated by in silico analysis. Since supporting evidence is limited at this time, the clinical significance of this alteration remains unclear.